The following is an entry in ClinVar:

NM_022836.4(DCLRE1B):c.1004G>A (p.Ser335Asn)

Gene: DCLRE1B (DNA cross-link repair 1B; plus strand). Cytogenetic location: 1p13.2.
Variant type: single nucleotide variant.
Coding change: c.1004G>A on transcript NM_022836.4 (MANE Select); coding-DNA position 1004, G replaced by A.
Protein change: p.Ser335Asn; replaces serine 335 with asparagine.
Molecular consequence: missense variant.
Genome position (GRCh38, 1-based): chr1:113,911,596, G>A. VCF-style: chr1-113911596-G-A. GRCh37 (hg19) VCF-style: chr1-114454218-G-A.
Other names: c.626G>A, p.Ser209Asn (NM_001319946.2, NM_001319947.2, NM_001363691.2); c.1004G>A, p.Ser335Asn (NM_001363690.2); short protein forms S209N, S335N.
Identifiers: ClinVar variation 842025 (VCV000842025.10), dbSNP rs200392246, ClinGen allele CA1016516.

ClinVar aggregate classification (germline): Uncertain significance. Review status: criteria provided, multiple submitters, no conflicts (2 of 4 stars). 2 submissions from 2 submitters: Uncertain significance (2). Last evaluated 2025-03-28.

Conditions:
Hoyeraal-Hreidarsson syndrome (HHS). Also called: CEREBELLAR HYPOPLASIA WITH PANCYTOPENIA. Identifiers: Orphanet 3322, MedGen C1846142, MONDO:0018045.
Autosomal recessive dyskeratosis congenita. Identifiers: MedGen C3502105.

Allele frequency attached by ClinVar (database versions not stated): gnomAD exomes 0.00021 and 0.00012; ESP Exome Variant Server 0.00008; gnomAD 0.00008 and 0.00009; TOPMed 0.00011; ExAC 0.00013.
gnomAD v4.1: 319 of 1,596,222 alleles (0.02%); highest among the groups gnomAD compares: Non-Finnish European, 0.026%; no homozygotes.

Submissions (2):

Ambry Genetics
Classification: Uncertain significance. Last evaluated: 2025-03-28. Review status: criteria provided, single submitter. Criteria: Ambry Variant Classification Scheme 2023. Collection method: clinical testing. Allele origin: germline.

Labcorp Genetics (formerly Invitae), Labcorp
Classification: Uncertain significance for Hoyeraal-Hreidarsson syndrome; Autosomal recessive dyskeratosis congenita. Last evaluated: 2019-11-26. Review status: criteria provided, single submitter. Criteria: Invitae Variant Classification Sherloc (09022015). Collection method: clinical testing. Allele origin: germline.
Comment: In summary, the available evidence is currently insufficient to determine the role of this variant in disease. Therefore, it has been classified as a Variant of Uncertain Significance. This sequence change replaces serine with asparagine at codon 335 of the DCLRE1B protein (p.Ser335Asn). The serine residue is weakly conserved and there is a small physicochemical difference between serine and asparagine. This variant is present in population databases (rs200392246, ExAC 0.02%). This variant has not been reported in the literature in individuals with DCLRE1B-related conditions. Algorithms developed to predict the effect of missense changes on protein structure and function output the following: SIFT: "Tolerated"; PolyPhen-2: "Benign"; Align-GVGD: "Class C0". The asparagine amino acid residue is found in multiple mammalian species, suggesting that this missense change does not adversely affect protein function. These predictions have not been confirmed by published functional studies and their clinical significance is uncertain.